The following is an entry in ClinVar:

NM_015895.5(GMNN):c.274+12T>A

Gene: GMNN (geminin DNA replication inhibitor; plus strand). Cytogenetic location: 6p22.3.
Variant type: single nucleotide variant.
Coding change: c.274+12T>A on transcript NM_015895.5 (MANE Select); 12 bases into the intron after coding-DNA position 274, T replaced by A.
Molecular consequence: intron variant.
Genome position (GRCh38, 1-based): chr6:24,781,633, T>A. VCF-style: chr6-24781633-T-A. GRCh37 (hg19) VCF-style: chr6-24781861-T-A.
Other names: c.274+12T>A (NM_001251989.2, NM_001251990.2, NM_001251991.1).
Identifiers: ClinVar variation 1976905 (VCV001976905.6), dbSNP rs201417437, ClinGen allele CA3658861.

ClinVar aggregate classification (germline): Likely benign. Review status: criteria provided, multiple submitters, no conflicts (2 of 4 stars). 2 submissions from 2 submitters: Likely benign (2). Last evaluated 2026-05-28.

Submissions (2):

Women's Health and Genetics/Laboratory Corporation of America, LabCorp
Classification: Likely benign. Last evaluated: 2026-05-28. Review status: criteria provided, single submitter. Criteria: LabCorp Variant Classification Summary - May 2015. Collection method: clinical testing. Allele origin: germline.
Comment: Variant summary: GMNN c.274+12T>A alters a nucleotide located at a position not widely known to affect splicing. Consensus agreement among computation tools predict no significant impact on normal splicing. However, these predictions have yet to be confirmed by functional studies. The variant allele was found at a frequency of 4.6e-05 in 174676 control chromosomes. The available data on variant occurrences in the general population are insufficient to allow any conclusion about variant significance. To our knowledge, no occurrence of c.274+12T>A in individuals affected with GMNN-related conditions and no experimental evidence demonstrating its impact on protein function have been reported. ClinVar contains an entry for this variant (Variation ID: 1976905). Based on the evidence outlined above, the variant was classified as likely benign.

Labcorp Genetics (formerly Invitae), Labcorp
Classification: Likely benign. Last evaluated: 2024-10-21. Review status: criteria provided, single submitter. Criteria: Invitae Variant Classification Sherloc (09022015). Collection method: clinical testing. Allele origin: germline.